The following is an entry in ClinVar:

ClinVar aggregate classification (germline): Uncertain significance (1 of 4 stars; one submission).

Conditions:
Charcot-Marie-Tooth disease type 2. Also called: Charcot-Marie-Tooth type 2. Identifiers: Orphanet 64746, MedGen C0270914, MONDO:0018993.

Submission:

Labcorp Genetics (formerly Invitae), Labcorp
Classification: Uncertain significance for Charcot-Marie-Tooth disease type 2. Last evaluated: 2025-05-27. Review status: criteria provided, single submitter. Criteria: Invitae Variant Classification Sherloc (09022015). Collection method: clinical testing. Allele origin: germline.
Comment: This sequence change replaces phenylalanine, which is neutral and non-polar, with leucine, which is neutral and non-polar, at codon 18 of the AARS protein (p.Phe18Leu). This variant is not present in population databases (gnomAD no frequency). This variant has not been reported in the literature in individuals affected with AARS-related conditions. Invitae Evidence Modeling of protein sequence and biophysical properties (such as structural, functional, and spatial information, amino acid conservation, physicochemical variation, residue mobility, and thermodynamic stability) has been performed for this missense variant. However, the output from this modeling did not meet the statistical confidence thresholds required to predict the impact of this variant on AARS protein function. In summary, the available evidence is currently insufficient to determine the role of this variant in disease. Therefore, it has been classified as a Variant of Uncertain Significance.

NM_001605.3(AARS1):c.54C>G (p.Phe18Leu)

Gene: AARS1 (alanyl-tRNA synthetase 1; minus strand). Cytogenetic location: 16q22.1.
Variant type: single nucleotide variant.
Coding change: c.54C>G on transcript NM_001605.3 (MANE Select); coding-DNA position 54, C replaced by G.
Protein change: p.Phe18Leu; replaces phenylalanine 18 with leucine.
Molecular consequence: missense variant.
Genome position (GRCh38, 1-based): chr16:70,282,710, G>C on the plus strand (C>G on the coding strand, the complement: AARS1 is on the minus strand). VCF-style: chr16-70282710-G-C. GRCh37 (hg19) VCF-style: chr16-70316613-G-C.
Other names: short protein forms F18L.
Identifiers: ClinVar variation 4746010 (VCV004746010.1).